The following is an entry in ClinVar:

ClinVar aggregate classification (germline): Uncertain significance. Review status: criteria provided, multiple submitters, no conflicts (2 of 4 stars). 2 submissions from 2 submitters: Uncertain significance (2). Last evaluated 2026-08-10.

Conditions:
Inborn genetic diseases. Identifiers: MedGen C0950123, MeSH D030342.

gnomAD v4.1: 4 of 1,208,679 alleles (0.00033%); highest among the groups gnomAD compares: Non-Finnish European, 0.00045%; no homozygotes.

Submissions (2):

GeneDx
Classification: Uncertain significance. Last evaluated: 2026-08-10. Review status: criteria provided, single submitter. Criteria: GeneDx Variant Classification Process June 2021. Collection method: clinical testing. Allele origin: germline.
Comment: Not observed at significant frequency in large population cohorts (gnomAD); In silico analysis suggests that this missense variant does not alter protein structure/function; Has not been previously published as pathogenic or benign to our knowledge

Ambry Genetics
Classification: Uncertain significance for Inborn genetic diseases. Last evaluated: 2026-08-04. Review status: criteria provided, single submitter. Criteria: Ambry Variant Classification Scheme 2023. Collection method: clinical testing. Allele origin: germline.

NM_001111125.3(IQSEC2):c.3392C>T (p.Ala1131Val)

Gene: IQSEC2 (IQ motif and Sec7 domain ArfGEF 2; minus strand). Cytogenetic location: Xp11.22.
Variant type: single nucleotide variant.
Coding change: c.3392C>T on transcript NM_001111125.3 (MANE Select); coding-DNA position 3392, C replaced by T.
Protein change: p.Ala1131Val; replaces alanine 1131 with valine.
Molecular consequence: missense variant.
Genome position (GRCh38, 1-based): chrX:53,236,381, G>A on the plus strand (C>T on the coding strand, the complement: IQSEC2 is on the minus strand). VCF-style: chrX-53236381-G-A. GRCh37 (hg19) VCF-style: chrX-53265563-G-A.
Other names: c.3392C>T, p.Ala1131Val (NM_001410736.1); c.2777C>T, p.Ala926Val (NM_015075.2); c.3392C>T (NM_001111125.2); short protein forms A926V, A1131V.
Identifiers: ClinVar variation 3572532 (VCV003572532.3).